The following is an entry in ClinVar:

NM_001357.5(DHX9):c.3282T>C (p.His1094=)

Gene: DHX9 (DExH-box helicase 9; plus strand). Cytogenetic location: 1q25.3.
Variant type: single nucleotide variant.
Coding change: c.3282T>C on transcript NM_001357.5 (MANE Select); coding-DNA position 3282, T replaced by C.
Protein change: p.His1094=; no amino-acid change (histidine 1094 retained).
Molecular consequence: synonymous variant. On other transcripts: non-coding transcript variant (1).
Genome position (GRCh38, 1-based): chr1:182,884,634, T>C. VCF-style: chr1-182884634-T-C. GRCh37 (hg19) VCF-style: chr1-182853769-T-C.
Identifiers: ClinVar variation 3770416 (VCV003770416.13).

ClinVar aggregate classification (germline): Likely benign (1 of 4 stars; one submission).

gnomAD v4.1: 3,292 of 1,614,182 alleles (0.2%); highest among the groups gnomAD compares: Non-Finnish European, 0.26%; 6 homozygotes.

Submission:

CeGaT Center for Human Genetics Tuebingen
Classification: Likely benign. Last evaluated: 2026-09-01. Review status: criteria provided, single submitter. Criteria: CeGaT Center For Human Genetics Tuebingen Variant Classification Criteria Version 2. Collection method: clinical testing. Allele origin: germline. Affected: yes. Observed: 4 variant alleles.
Comment: DHX9: BP4, BP7